The following is an entry in ClinVar:

NM_001276345.2(TNNT2):c.772T>C (p.Phe258Leu)

Gene: TNNT2 (troponin T2, cardiac type; minus strand). Cytogenetic location: 1q32.1.
Variant type: single nucleotide variant.
Coding change: c.772T>C on transcript NM_001276345.2 (MANE Select); coding-DNA position 772, T replaced by C.
Protein change: p.Phe258Leu; replaces phenylalanine 258 with leucine.
Molecular consequence: missense variant.
Genome position (GRCh38, 1-based): chr1:201,361,317, A>G on the plus strand (T>C on the coding strand, the complement: TNNT2 is on the minus strand). VCF-style: chr1-201361317-A-G. GRCh37 (hg19) VCF-style: chr1-201330445-A-G.
Other names: p.F248L:TTC>CTC; c.763T>C, p.Phe255Leu (NM_000364.4); c.742T>C, p.Phe248Leu (NM_001001430.3, NM_001276347.2); c.733T>C, p.Phe245Leu (NM_001001431.3); c.724T>C, p.Phe242Leu (NM_001001432.3); c.643T>C, p.Phe215Leu (NM_001276346.2); short protein forms F248L, F255L, F242L, F245L, F258L, F215L.
Identifiers: ClinVar variation 181629 (VCV000181629.20), dbSNP rs730881110, ClinGen allele CA005046.

ClinVar aggregate classification (germline): Uncertain significance. Review status: criteria provided, multiple submitters, no conflicts (2 of 4 stars). 8 submissions from 6 submitters: Uncertain significance (8). Last evaluated 2025-03-11.

Conditions:
Cardiovascular phenotype. Identifiers: MedGen CN230736.
Cardiomyopathy (CMYO). Also called: Cardiomyopathies. Identifiers: Orphanet 167848, MedGen C0878544, MONDO:0004994, HP:0001638. Inheritance: Various modes of inheritance.
Cardiomyopathy, familial restrictive, 3. Identifiers: Orphanet 75249, MedGen C2676271, MONDO:0012900, OMIM 612422.
Hypertrophic cardiomyopathy 2. Also called: TNNT2-Related Familial Hypertrophic Cardiomyopathy. Identifiers: MedGen C1861864, MONDO:0007266, OMIM 115195.
Dilated cardiomyopathy 1D. Identifiers: Orphanet 154, Orphanet 54260, MedGen C1832243, MONDO:0011095, OMIM 601494.

gnomAD v4.1: 1 of 1,614,102 alleles (0.000062%); highest among the groups gnomAD compares: Non-Finnish European, 0.000085%; no homozygotes.

Submissions (8):

Labcorp Genetics (formerly Invitae), Labcorp
Classification: Uncertain significance for Cardiomyopathy, familial restrictive, 3; Hypertrophic cardiomyopathy 2; Dilated cardiomyopathy 1D. Last evaluated: 2025-03-11. Review status: criteria provided, single submitter. Criteria: Invitae Variant Classification Sherloc (09022015). Collection method: clinical testing. Allele origin: germline.
Comment: This sequence change replaces phenylalanine, which is neutral and non-polar, with leucine, which is neutral and non-polar, at codon 248 of the TNNT2 protein (p.Phe248Leu). This variant is not present in population databases (gnomAD no frequency). This variant has not been reported in the literature in individuals affected with TNNT2-related conditions. ClinVar contains an entry for this variant (Variation ID: 181629). Invitae Evidence Modeling of protein sequence and biophysical properties (such as structural, functional, and spatial information, amino acid conservation, physicochemical variation, residue mobility, and thermodynamic stability) has been performed for this missense variant. However, the output from this modeling did not meet the statistical confidence thresholds required to predict the impact of this variant on TNNT2 protein function. In summary, the available evidence is currently insufficient to determine the role of this variant in disease. Therefore, it has been classified as a Variant of Uncertain Significance.

All of Us Research Program, National Institutes of Health
Classification: Uncertain significance for Cardiomyopathy. Last evaluated: 2024-05-14. Review status: criteria provided, single submitter. Criteria: ACMG Guidelines, 2015. Collection method: clinical testing. Allele origin: germline. Inheritance: Autosomal dominant inheritance. Observed: 2 variant alleles, 2 heterozygotes.
Comment: This missense variant replaces phenylalanine with leucine at codon 248 of the TNNT2 protein. Computational prediction suggests that this variant may have deleterious impact on protein structure and function (internally defined REVEL score threshold >= 0.7, PMID: 27666373). To our knowledge, functional studies have not been reported for this variant. This variant has not been reported in individuals affected with cardiovascular disorders in the literature. This variant has not been identified in the general population by the Genome Aggregation Database (gnomAD). The available evidence is insufficient to determine the role of this variant in disease conclusively. Therefore, this variant is classified as a Variant of Uncertain Significance.

This study involves interpretation of variants in research participants for the purpose of population health screening. Participant phenotype was not available at the time of variant classification. Additional details can be found in publication PMID: 35346344, PMCID: PMC8962531

Color Diagnostics, LLC DBA Color Health
Classification: Uncertain significance for Cardiomyopathy. Last evaluated: 2024-05-02. Review status: criteria provided, single submitter. Criteria: ACMG Guidelines, 2015. Collection method: clinical testing. Allele origin: germline.
Comment: This missense variant replaces phenylalanine with leucine at codon 248 of the TNNT2 protein. Computational prediction tools indicate that this variant has a deleterious impact on protein structure and function. To our knowledge, functional studies have not been reported for this variant. This variant has been reported in one individual affected with dilated cardiomyopathy (PMID: 33029862). This variant has not been identified in the general population by the Genome Aggregation Database (gnomAD). The available evidence is insufficient to determine the role of this variant in disease conclusively. Therefore, this variant is classified as a Variant of Uncertain Significance.

Genome-Nilou Lab
Classification: Uncertain significance for Dilated cardiomyopathy 1D. Last evaluated: 2023-04-11. Review status: criteria provided, single submitter. Criteria: ACMG Guidelines, 2015. Collection method: clinical testing. Allele origin: germline. Affected: no.

Genome-Nilou Lab
Classification: Uncertain significance for Cardiomyopathy, familial restrictive, 3. Last evaluated: 2023-04-11. Review status: criteria provided, single submitter. Criteria: ACMG Guidelines, 2015. Collection method: clinical testing. Allele origin: germline. Affected: no.

Genome-Nilou Lab
Classification: Uncertain significance for Hypertrophic cardiomyopathy 2. Last evaluated: 2023-04-11. Review status: criteria provided, single submitter. Criteria: ACMG Guidelines, 2015. Collection method: clinical testing. Allele origin: germline. Affected: no.

GeneDx
Classification: Uncertain significance. Last evaluated: 2022-12-08. Review status: criteria provided, single submitter. Criteria: GeneDx Variant Classification Process June 2021. Collection method: clinical testing. Allele origin: germline. Affected: yes.
Comment: Identified in a patient with DCM in published literature (VanDyke et al., 2021); Not observed at significant frequency in large population cohorts (gnomAD); In silico analysis supports that this missense variant has a deleterious effect on protein structure/function; This variant is associated with the following publications: (PMID: 33029862)

Ambry Genetics
Classification: Uncertain significance for Cardiovascular phenotype. Last evaluated: 2022-05-27. Review status: criteria provided, single submitter. Criteria: Ambry Variant Classification Scheme 2023. Collection method: clinical testing. Allele origin: germline.
Comment: The p.F248L variant (also known as c.742T>C), located in coding exon 13 of the TNNT2 gene, results from a T to C substitution at nucleotide position 742. The phenylalanine at codon 248 is replaced by leucine, an amino acid with highly similar properties. This alteration has been reported in a subject with dilated cardiomyopathy (DCM) (VanDyke RE et al. J Genet Couns, 2021 04;30:503-512). This amino acid position is highly conserved in available vertebrate species. In addition, this alteration is predicted to be deleterious by in silico analysis. Since supporting evidence is limited at this time, the clinical significance of this alteration remains unclear.

Literature cited by the submitters: PubMed 33029862 (cited by Color Diagnostics, LLC DBA Color Health and Ambry Genetics).